The following is an entry in ClinVar:

ClinVar aggregate classification (germline): Uncertain significance (1 of 4 stars; one submission).

Submission:

Labcorp Genetics (formerly Invitae), Labcorp
Classification: Uncertain significance. Last evaluated: 2023-07-01. Review status: criteria provided, single submitter. Criteria: Invitae Variant Classification Sherloc (09022015). Collection method: clinical testing. Allele origin: germline.
Comment: This sequence change replaces lysine, which is basic and polar, with threonine, which is neutral and polar, at codon 1818 of the OBSL1 protein (p.Lys1818Thr). This variant is not present in population databases (gnomAD no frequency). This variant has not been reported in the literature in individuals affected with OBSL1-related conditions. An algorithm developed to predict the effect of missense changes on protein structure and function (PolyPhen-2) suggests that this variant is likely to be disruptive. In summary, the available evidence is currently insufficient to determine the role of this variant in disease. Therefore, it has been classified as a Variant of Uncertain Significance.

NM_015311.3(OBSL1):c.5453A>C (p.Lys1818Thr)

Gene: OBSL1 (obscurin like cytoskeletal adaptor 1; minus strand). Cytogenetic location: 2q35.
Variant type: single nucleotide variant.
Coding change: c.5453A>C on transcript NM_015311.3 (MANE Select); coding-DNA position 5453, A replaced by C.
Protein change: p.Lys1818Thr; replaces lysine 1818 with threonine.
Molecular consequence: missense variant.
Genome position (GRCh38, 1-based): chr2:219,551,759, T>G on the plus strand (A>C on the coding strand, the complement: OBSL1 is on the minus strand). VCF-style: chr2-219551759-T-G. GRCh37 (hg19) VCF-style: chr2-220416481-T-G.
Other names: short protein forms K1818T.
Identifiers: ClinVar variation 2985660 (VCV002985660.3), dbSNP rs772337823, ClinGen allele CA350716806.